The following is an entry in ClinVar:

ClinVar aggregate classification (germline): Uncertain significance (1 of 4 stars; one submission).

Conditions:
Pyruvate dehydrogenase E1-alpha deficiency (PDHAD). Also called: ATAXIA, INTERMITTENT, WITH PYRUVATE DEHYDROGENASE DEFICIENCY; ATAXIA WITH LACTIC ACIDOSIS I; ATAXIA, INTERMITTENT, WITH ABNORMAL PYRUVATE METABOLISM; Ataxia, intermittent, with pyruvate dehydrogenase, or decarboxylase, deficiency. Identifiers: Orphanet 79243, MedGen C1839413, MONDO:0010717, OMIM 312170.

Submission:

Dasa
Classification: Uncertain significance for Pyruvate dehydrogenase E1-alpha deficiency. Last evaluated: 2025-08-06. Review status: criteria provided, single submitter. Criteria: DASA Assertion Criteria. Collection method: clinical testing. Allele origin: germline.
Comment: NM_000284.4(PDHA1):c.1079C>G (p.Pro360Arg) is a missense variant that results in the substitution of proline with arginine. Published studies describe this variant in association with related phenotype (PMID: 28564592). Also, this variant is absent from population databases. The currently available literature and clinical evidence are not sufficient to establish a definitive association between this variant and the reported condition. Therefore, this variant is classified as a variant of uncertain significance.

Literature cited by the submitters: PubMed 28564592.

NM_000284.4(PDHA1):c.1079C>G (p.Pro360Arg)

Gene: PDHA1 (pyruvate dehydrogenase E1 subunit alpha 1; plus strand). Cytogenetic location: Xp22.12.
Variant type: single nucleotide variant.
Coding change: c.1079C>G on transcript NM_000284.4 (MANE Select); coding-DNA position 1079, C replaced by G.
Protein change: p.Pro360Arg; replaces proline 360 with arginine.
Molecular consequence: missense variant.
Genome position (GRCh38, 1-based): chrX:19,359,559, C>G. VCF-style: chrX-19359559-C-G. GRCh37 (hg19) VCF-style: chrX-19377677-C-G.
Other names: c.1193C>G, p.Pro398Arg (NM_001173454.2); c.1100C>G, p.Pro367Arg (NM_001173455.2); c.986C>G, p.Pro329Arg (NM_001173456.2); short protein forms P329R, P360R, P367R, P398R.
Identifiers: ClinVar variation 4882362 (VCV004882362.2).